The following is an entry in ClinVar:

ClinVar aggregate classification (germline): Uncertain significance (1 of 4 stars; one submission).

Conditions:
Atrioventricular septal defect 4 (AVSD4). Identifiers: MedGen C3280781, MONDO:0013747, OMIM 614430.

Submission:

Labcorp Genetics (formerly Invitae), Labcorp
Classification: Uncertain significance for Atrioventricular septal defect 4. Last evaluated: 2022-07-19. Review status: criteria provided, single submitter. Criteria: Invitae Variant Classification Sherloc (09022015). Collection method: clinical testing. Allele origin: germline.
Comment: In summary, the available evidence is currently insufficient to determine the role of this variant in disease. Therefore, it has been classified as a Variant of Uncertain Significance. Algorithms developed to predict the effect of missense changes on protein structure and function (SIFT, PolyPhen-2, Align-GVGD) all suggest that this variant is likely to be tolerated. ClinVar contains an entry for this variant (Variation ID: 1495292). This variant has not been reported in the literature in individuals affected with GATA4-related conditions. This variant is not present in population databases (gnomAD no frequency). This sequence change replaces proline, which is neutral and non-polar, with arginine, which is basic and polar, at codon 103 of the GATA4 protein (p.Pro103Arg).

NM_001308093.3(GATA4):c.308C>G (p.Pro103Arg)

Gene: GATA4 (GATA binding protein 4). Cytogenetic location: 8p23.1.
Variant type: single nucleotide variant.
Coding change: c.308C>G on transcript NM_001308093.3 (MANE Select); coding-DNA position 308, C replaced by G.
Protein change: p.Pro103Arg; replaces proline 103 with arginine.
Molecular consequence: missense variant. On other transcripts: intron variant (3).
Genome position (GRCh38, 1-based): chr8:11,708,620, C>G. VCF-style: chr8-11708620-C-G. GRCh37 (hg19) VCF-style: chr8-11566129-C-G.
Other names: c.308C>G, p.Pro103Arg (NM_002052.5); c.-6+7842C>G (NM_001308094.2); c.-3+606C>G (NM_001374274.1); c.-3+4316C>G (NM_001374273.1); short protein forms P103R.
Identifiers: ClinVar variation 1495292 (VCV001495292.6), dbSNP rs2130069373, ClinGen allele CA370309358.